The following is an entry in ClinVar:

NM_203447.4(DOCK8):c.1126_1285+1del

Gene: DOCK8 (dedicator of cytokinesis 8; plus strand). Cytogenetic location: 9p24.3.
Variant type: Deletion.
Coding change: c.1126_1285+1del on transcript NM_203447.4 (MANE Select); coding-DNA position 1126 through the canonical splice donor site of the intron after coding-DNA position 1285, 161 bases deleted.
Molecular consequence: splice acceptor variant, splice donor variant.
Genome position (GRCh38, 1-based): chr9:334,225-334,385, 161 bases deleted. GRCh37 (hg19): chr9:334,225-334,385.
Other names: c.922_1081+1del (NM_001193536.2, NM_001190458.2).
Identifiers: ClinVar variation 4852773 (VCV004852773.1).

ClinVar aggregate classification (germline): Likely pathogenic (1 of 4 stars; one submission).

Conditions:
Combined immunodeficiency due to DOCK8 deficiency (HIES2). Also called: HIES autosomal recessive; Hyper-IgE recurrent infection syndrome, autosomal recessive; HYPER-IgE SYNDROME 2, AUTOSOMAL RECESSIVE, WITH RECURRENT INFECTIONS; DOCK8 Deficiency; HYPER-IgE RECURRENT INFECTION SYNDROME 2, AUTOSOMAL RECESSIVE. Identifiers: Orphanet 217390, MedGen C4722305, MONDO:0009478, OMIM 243700.

Submission:

Diagnostics Services (NGS), CSIR - Centre For Cellular And Molecular Biology
Classification: Likely pathogenic for Combined immunodeficiency due to DOCK8 deficiency. Last evaluated: 2026-05-20. Review status: criteria provided, single submitter. Criteria: ACMG Guidelines, 2015. Collection method: clinical testing. Allele origin: germline. Affected: yes. Observed: 1 variant allele, 1 homozygote.
Comment: A 161 bp homozygous deletion [9p24.3(334224-334384)x0] encompassing exon 11 region of DOCK8 gene causing frameshift. The deletion region is not present in the publicly available population databases (for CNV) like 1000 Genomes. Overlapping bigger regions are present in gnomAD and DGV. Overlapping bigger deletions in this region have been reported to clinical databases like DECIPHER and ClinVar as ‘Pathogenic/Likely Pathogenic/Uncertain significance’ by multiple submitters.